The following is an entry in ClinVar:

ClinVar aggregate classification (germline): Uncertain significance (1 of 4 stars; one submission).

Allele frequency attached by ClinVar (database versions not stated): ExAC 0.00001; gnomAD 0.00001; TOPMed 0.00002; gnomAD exomes 0.00004.

Submission:

Labcorp Genetics (formerly Invitae), Labcorp
Classification: Uncertain significance. Last evaluated: 2021-08-19. Review status: criteria provided, single submitter. Criteria: Invitae Variant Classification Sherloc (09022015). Collection method: clinical testing. Allele origin: germline.
Comment: This sequence change results in a frameshift in the CERKL gene (p.Met555Argfs*7). While this is not anticipated to result in nonsense mediated decay, it is expected to disrupt the last 4 amino acids of the CERKL protein and extend the protein by an additional 2 amino acids. This variant is present in population databases (rs768429897, ExAC 0.002%). This variant has not been reported in the literature in individuals with CERKL-related conditions. Experimental studies and prediction algorithms are not available or were not evaluated, and the functional significance of this variant is currently unknown. In summary, the available evidence is currently insufficient to determine the role of this variant in disease. Therefore, it has been classified as a Variant of Uncertain Significance.

NM_201548.5(CERKL):c.1586del (p.Met529fs)

Genes: CERKL (CERK like autophagy regulator; minus strand), ITGA4 (integrin subunit alpha 4; plus strand). Cytogenetic location: 2q31.3.
Variant type: Deletion.
Coding change: c.1586del on transcript NM_201548.5 (MANE Select); coding-DNA position 1586, one base deleted (T; older notation c.1586delT).
Protein change: p.Met529fs; shifts the reading frame from methionine 529.
Molecular consequence: frameshift variant. On other transcripts: 3 prime UTR variant (1), non-coding transcript variant (2).
Genome position (GRCh38, 1-based): chr2:181,538,197, A deleted on the plus strand (T on the coding strand, the reverse complement: CERKL is on the minus strand). VCF-style (leftmost placement, unchanged base first): chr2-181538196-CA-C. GRCh37 (hg19) VCF-style: chr2-182402923-CA-C.
Other names: c.*2670del (NM_000885.6); c.1664del, p.Met555fs (NM_001030311.3); c.1247del, p.Met416fs (NM_001030312.3); c.1379del, p.Met460fs (NM_001030313.3); c.1532del, p.Met511fs (NM_001160277.2); short protein forms M460fs, M511fs, M416fs, M529fs, M555fs.
Identifiers: ClinVar variation 2155893 (VCV002155893.1), dbSNP rs768429897, ClinGen allele CA2010372.